The following is an entry in ClinVar:

NM_001267550.2(TTN):c.78944G>C (p.Gly26315Ala)

Genes: TTN (titin; minus strand), TTN-AS1 (TTN antisense RNA 1; plus strand). Cytogenetic location: 2q31.2.
Variant type: single nucleotide variant.
Coding change: c.78944G>C on transcript NM_001267550.2 (MANE Select); coding-DNA position 78944, G replaced by C.
Protein change: p.Gly26315Ala; replaces glycine 26315 with alanine.
Molecular consequence: missense variant.
Genome position (GRCh38, 1-based): chr2:178,567,188, C>G on the plus strand (G>C on the coding strand, the complement: TTN is on the minus strand). VCF-style: chr2-178567188-C-G. GRCh37 (hg19) VCF-style: chr2-179431915-C-G.
Other names: c.74021G>C, p.Gly24674Ala (NM_001256850.1); c.51749G>C, p.Gly17250Ala (NM_003319.4); c.71240G>C, p.Gly23747Ala (NM_133378.4); c.52124G>C, p.Gly17375Ala (NM_133432.3); c.52325G>C, p.Gly17442Ala (NM_133437.4); short protein forms G17250A, G26315A, G17375A, G24674A, G23747A, G17442A.
Identifiers: ClinVar variation 264586 (VCV000264586.5), dbSNP rs886039199, ClinGen allele CA10587475.
Genomic context (GRCh38, chr2:178,567,188, plus strand): 5'-GTCCAGGCAAGTCGACTGGTTTCTCGCTTTTCAACAACATAGTGAGAAATGTCACTGCCA[C>G]CATCTTGAAGTGGTGGAGACCATGTTAAAGAGCATTTTTCAGAAGTGACTCCAGTAACCT-3'
Protein context (NP_001254479.2, residues 26305-26325): SLTWSPPLQD[Gly26315Ala]GSDISHYVVE

ClinVar aggregate classification (germline): Uncertain significance (1 of 4 stars; one submission).

Conditions:
Cardiovascular phenotype. Identifiers: MedGen CN230736.

Submission:

Ambry Genetics
Classification: Uncertain significance for Cardiovascular phenotype. Last evaluated: 2016-01-11. Review status: criteria provided, single submitter. Criteria: Ambry Variant Classification Scheme 2023. Collection method: clinical testing. Allele origin: germline.
Comment: The p.G17250A variant (also known as c.51749G>C), located in coding exon 153 of the TTN gene, results from a G to C substitution at nucleotide position 51749. The glycine at codon 17250 is replaced by alanine, an amino acid with similar properties. This variant was not reported in population based cohorts in the following databases: Database of Single Nucleotide Polymorphisms (dbSNP), NHLBI Exome Sequencing Project (ESP), and 1000 Genomes Project. In the ESP, this variant was not observed in 6012 samples (12024 alleles) with coverage at this position. This amino acid position is highly conserved in available vertebrate species. In addition, the in silico prediction for this alteration is inconclusive. Since supporting evidence is limited at this time, the clinical significance of this variant remains unclear.